The following is an entry in ClinVar:

ClinVar aggregate classification (germline): Uncertain significance (1 of 4 stars; one submission).

Conditions:
Inborn genetic diseases. Identifiers: MedGen C0950123, MeSH D030342.

Submission:

Ambry Genetics
Classification: Uncertain significance for Inborn genetic diseases. Last evaluated: 2026-03-21. Review status: criteria provided, single submitter. Criteria: Ambry Variant Classification Scheme 2023. Collection method: clinical testing. Allele origin: germline.
Comment: The p.A35T variant (also known as c.103G>A), located in coding exon 2 of the BMPR2 gene, results from a G to A substitution at nucleotide position 103. The alanine at codon 35 is replaced by threonine, an amino acid with similar properties. This amino acid position is conserved. In addition, this alteration is predicted to be deleterious by in silico analysis. Based on the available evidence, the clinical significance of this variant remains unclear.

NM_001204.7(BMPR2):c.103G>A (p.Ala35Thr)

Gene: BMPR2 (bone morphogenetic protein receptor type 2; plus strand). Cytogenetic location: 2q33.1.
Variant type: single nucleotide variant.
Coding change: c.103G>A on transcript NM_001204.7 (MANE Select); coding-DNA position 103, G replaced by A.
Protein change: p.Ala35Thr; replaces alanine 35 with threonine.
Molecular consequence: missense variant.
Genome position (GRCh38, 1-based): chr2:202,464,835, G>A. VCF-style: chr2-202464835-G-A. GRCh37 (hg19) VCF-style: chr2-203329558-G-A.
Other names: short protein forms A35T.
Identifiers: ClinVar variation 4867574 (VCV004867574.1).